The following is an entry in ClinVar:

ClinVar aggregate classification (germline): Conflicting classifications of pathogenicity. Review status: criteria provided, conflicting classifications (1 of 4 stars). 12 submissions from 12 submitters: Uncertain significance (9); Benign (1). 2 of the submissions do not count toward it. Last evaluated 2025-12-24.

Conditions:
Hereditary nonpolyposis colorectal neoplasms. Identifiers: MedGen C0009405, MeSH D003123.
Hereditary cancer-predisposing syndrome. Also called: Tumor predisposition; Hereditary neoplastic syndrome; Neoplastic Syndromes, Hereditary; Hereditary Cancer Syndrome. Identifiers: Orphanet 140162, MedGen C0027672, MeSH D009386, MONDO:0015356.
Lynch syndrome 4 (LYNCH4). Also called: Colorectal cancer, hereditary nonpolyposis, type 4; Hereditary non-polyposis colorectal cancer, type 4. Identifiers: Orphanet 144, MedGen C1838333, MONDO:0013699, OMIM 614337. Disease mechanism: loss of function.
Mismatch repair cancer syndrome 1 (MMRCS1). Also called: MISMATCH REPAIR DEFICIENCY; MMR DEFICIENCY; BRAIN TUMOR-POLYPOSIS SYNDROME 1; BTP1 SYNDROME; CHILDHOOD CANCER SYNDROME. Identifiers: Orphanet 252202, MedGen C5399763, MONDO:0010159, OMIM 276300. Disease mechanism: loss of function.
Lynch syndrome. Identifiers: Orphanet 144, MedGen C4552100, MONDO:0005835. Disease mechanism: loss of function.

Allele frequency attached by ClinVar (database versions not stated): gnomAD exomes below 0.00001; TOPMed 0.00001.
gnomAD v4.1: 2 of 1,533,428 alleles (0.00013%); highest among the groups gnomAD compares: Non-Finnish European, 0.000089%; no homozygotes.

Submissions (12):

Labcorp Genetics (formerly Invitae), Labcorp
Classification: Benign for Hereditary nonpolyposis colorectal neoplasms. Last evaluated: 2025-12-24. Review status: criteria provided, single submitter. Criteria: Invitae Variant Classification Sherloc (09022015). Collection method: clinical testing. Allele origin: germline.

Quest Diagnostics Nichols Institute San Juan Capistrano
Classification: Uncertain significance. Last evaluated: 2025-02-27. Review status: criteria provided, single submitter. Criteria: Quest Diagnostics criteria. Collection method: clinical testing. Allele origin: unknown.
Comment: The PMS2 c.710A>T (p.Gln237Leu) variant has not been reported in individuals with PMS2-related conditions in the published literature. The frequency of this variant in the general population (Genome Aggregation Database) is uninformative in the assessment of its pathogenicity. Analysis of this variant using bioinformatics tools for the prediction of the effect of amino acid changes on protein structure and function yielded conflicting predictions that this variant is deleterious or benign. Based on the available information, we are unable to determine the clinical significance of this variant.

All of Us Research Program, National Institutes of Health
Classification: Uncertain significance for Lynch syndrome. Last evaluated: 2024-09-13. Review status: criteria provided, single submitter. Criteria: ACMG Guidelines, 2015. Collection method: clinical testing. Allele origin: germline. Inheritance: Autosomal dominant inheritance. Observed: 3 variant alleles, 3 heterozygotes.
Comment: This missense variant replaces glutamine with leucine at codon 237 of the PMS2 protein. Computational prediction is inconclusive regarding the impact of this variant on protein structure and function (internally defined REVEL score threshold 0.5 < inconclusive < 0.7, PMID: 27666373). To our knowledge, functional studies have not been reported for this variant. This variant has not been reported in individuals affected with hereditary cancer in the literature. This variant has been identified in 1/24222 chromosomes in the general population by the Genome Aggregation Database (gnomAD). The available evidence is insufficient to determine the role of this variant in disease conclusively. Therefore, this variant is classified as a Variant of Uncertain Significance.

This study involves interpretation of variants in research participants for the purpose of population health screening. Participant phenotype was not available at the time of variant classification. Additional details can be found in publication PMID: 35346344, PMCID: PMC8962531

Ambry Genetics
Classification: Uncertain significance for Hereditary cancer-predisposing syndrome. Last evaluated: 2024-07-30. Review status: criteria provided, single submitter. Criteria: Ambry Variant Classification Scheme 2023. Collection method: clinical testing. Allele origin: germline.

GeneDx
Classification: Uncertain significance. Last evaluated: 2024-03-01. Review status: criteria provided, single submitter. Criteria: GeneDx Variant Classification Process June 2021. Collection method: clinical testing. Allele origin: germline. Affected: yes.
Comment: Not observed at significant frequency in large population cohorts (gnomAD); In silico analysis supports that this missense variant has a deleterious effect on protein structure/function; Observed in an individual with biallelic RNU4ATAC variants and a diagnosis of Roifman syndrome; however, information regarding family history of cancer was not provided (PMID: 26522830); This variant is associated with the following publications: (PMID: 11574484, 26522830)

Color Diagnostics, LLC DBA Color Health
Classification: Uncertain significance for Hereditary cancer-predisposing syndrome. Last evaluated: 2023-12-13. Review status: criteria provided, single submitter. Criteria: ACMG Guidelines, 2015. Collection method: clinical testing. Allele origin: germline.
Comment: This missense variant replaces glutamine with leucine at codon 237 of the PMS2 protein. Computational prediction is inconclusive regarding the impact of this variant on protein structure and function (internally defined REVEL score threshold 0.5 < inconclusive < 0.7, PMID: 27666373). To our knowledge, functional studies have not been reported for this variant. This variant has not been reported in individuals affected with PMS2-related disorders in the literature. This variant has not been identified in the general population by the Genome Aggregation Database (gnomAD). The available evidence is insufficient to determine the role of this variant in disease conclusively. Therefore, this variant is classified as a Variant of Uncertain Significance.

Baylor Genetics
Classification: Uncertain significance for Lynch syndrome 4. Last evaluated: 2023-05-11. Review status: criteria provided, single submitter. Criteria: ACMG Guidelines, 2015. Collection method: clinical testing. Allele origin: unknown.

Myriad Genetics, Inc.
Classification: Uncertain significance for Lynch syndrome 4. Last evaluated: 2023-04-04. Review status: criteria provided, single submitter. Criteria: Myriad Autosomal Dominant, Autosomal Recessive and X-Linked Classification Criteria (2023). Collection method: clinical testing. Allele origin: unknown.
Comment: This variant is classified as a variant of uncertain significance as there is insufficient evidence to determine its impact on protein function and/or cancer risk.

CeGaT Center for Human Genetics Tuebingen
Classification: Uncertain significance. Last evaluated: 2023-03-01. Review status: criteria provided, single submitter. Criteria: CeGaT Center For Human Genetics Tuebingen Variant Classification Criteria Version 2. Collection method: clinical testing. Allele origin: germline. Affected: yes. Observed: 1 variant allele.
Comment: PMS2: PM2

Fulgent Genetics
Classification: Uncertain significance for Mismatch repair cancer syndrome 1; Lynch syndrome 4. Last evaluated: 2018-10-31. Review status: criteria provided, single submitter. Criteria: ACMG Guidelines, 2015. Collection method: clinical testing. Allele origin: unknown.

Counsyl
Classification: Uncertain significance for Lynch syndrome 4. Last evaluated: 2017-02-07. Review status: no assertion criteria provided. Collection method: clinical testing. Allele origin: unknown. Not counted in ClinVar's aggregate classification.

Department of Pathology and Laboratory Medicine, Sinai Health System
Classification: Uncertain significance. Review status: no assertion criteria provided. Collection method: clinical testing. Allele origin: unknown. Affected: yes. Observed: 1 variant allele. Study: The Canadian Open Genetics Repository (COGR). Not counted in ClinVar's aggregate classification.
Comment: The PMS2 p.Gln237Leu variant was not identified in the literature but was identified in dbSNP (ID: rs587780061) as â€šÃ„Ãºwith Uncertain significance alleleâ€šÃ„Ã¹; in the ClinVar and Clinvitae databases as uncertain significance by GeneDx, Ambry Genetics and Invitae. The variant was not identified in the GeneInsight â€šÃ„Ã¬COGR, Cosmic, MutDB; Insight Colon Cancer Gene Variant, Zhejiang Colon Cancer, Mismatch Repair Genes Variant, or Insight Hereditary tumors databases. The variant was not identified in the 1000 Genomes or in the NHLBI GO Exome Sequencing Projects. The variant was identified in control databases in 1 of 24222 chromosomes at a frequency of 0.00004 increasing the likelihood this could be a low frequency benign variant (Genome Aggregation Database Feb 27, 2017). Breakdown of the observations by population include European Non-Finnish in 1 of 11546 chromosomes (freq: 0.0001), while the variant was not observed in the African, Other, Latino, Ashkenazi Jewish, East Asian, European Finnish, and South Asian populations. The p.Gln237 residue is conserved in mammals but not in more distant organisms and computational analyses (PolyPhen-2, SIFT, AlignGVGD, BLOSUM, MutationTaster) provide inconsistent predictions regarding the impact to the protein; this information is not very predictive of pathogenicity. The variant occurs outside of the splicing consensus sequence and in silico or computational prediction software programs (SpliceSiteFinder, MaxEntScan, NNSPLICE, GeneSplicer, HumanSpliceFinder) do not predict a difference in splicing. In summary, based on the above information, the clinical significance of this variant cannot be determined with certainty at this time. This variant is classified as a variant of uncertain significance.

NM_000535.7(PMS2):c.710A>T (p.Gln237Leu)

Gene: PMS2 (PMS1 homolog 2, mismatch repair system component; minus strand). Cytogenetic location: 7p22.1.
Variant type: single nucleotide variant.
Coding change: c.710A>T on transcript NM_000535.7 (MANE Select); coding-DNA position 710, A replaced by T.
Protein change: p.Gln237Leu; replaces glutamine 237 with leucine.
Molecular consequence: missense variant. On other transcripts: 5 prime UTR variant (2), non-coding transcript variant (1).
Genome position (GRCh38, 1-based): chr7:5,997,419, T>A on the plus strand (A>T on the coding strand, the complement: PMS2 is on the minus strand). VCF-style: chr7-5997419-T-A. GRCh37 (hg19) VCF-style: chr7-6037050-T-A.
Other names: p.Q237L:CAA>CTA; c.305A>T, p.Gln102Leu (NM_001322003.2, NM_001322004.2, NM_001322005.2 and 2 more transcripts); c.710A>T, p.Gln237Leu (NM_001322006.2, NM_001322014.2); c.392A>T, p.Gln131Leu (NM_001322007.2, NM_001322008.2); c.-224A>T (NM_001322011.2, NM_001322012.2); c.137A>T, p.Gln46Leu (NM_001322013.2); c.401A>T, p.Gln134Leu (NM_001322015.2); short protein forms Q237L, Q102L, Q131L, Q134L, Q46L.
Identifiers: ClinVar variation 127795 (VCV000127795.55), dbSNP rs587780061, ClinGen allele CA012644.